The following is an entry in ClinVar:

ClinVar aggregate classification (germline): Uncertain significance (1 of 4 stars; one submission).

Submission:

CeGaT Center for Human Genetics Tuebingen
Classification: Uncertain significance. Last evaluated: 2022-12-01. Review status: criteria provided, single submitter. Criteria: CeGaT Center For Human Genetics Tuebingen Variant Classification Criteria Version 2. Collection method: clinical testing. Allele origin: germline. Affected: yes. Observed: 1 variant allele.
Comment: POU4F1: PM2, PP4

NM_006237.4(POU4F1):c.11T>G (p.Met4Arg)

Genes: OBI1-AS1 (OBI1 antisense RNA 1; plus strand), POU4F1 (POU class 4 homeobox 1; minus strand). Cytogenetic location: 13q31.1.
Variant type: single nucleotide variant.
Coding change: c.11T>G on transcript NM_006237.4 (MANE Select); coding-DNA position 11, T replaced by G.
Protein change: p.Met4Arg; replaces methionine 4 with arginine.
Molecular consequence: missense variant.
Genome position (GRCh38, 1-based): chr13:78,603,316, A>C on the plus strand (T>G on the coding strand, the complement: POU4F1 is on the minus strand). VCF-style: chr13-78603316-A-C. GRCh37 (hg19) VCF-style: chr13-79177451-A-C.
Other names: short protein forms M4R.
Identifiers: ClinVar variation 1879261 (VCV001879261.29), dbSNP rs2500902759, ClinGen allele CA388430240.